The following is an entry in ClinVar:

ClinVar aggregate classification (germline): Uncertain significance (1 of 4 stars; one submission).

Conditions:
POLR3C-related disorder. Also called: POLR3C-related condition.

Submission:

PreventionGenetics, part of Exact Sciences
Classification: Uncertain significance for POLR3C-related condition. Last evaluated: 2022-11-29. Review status: criteria provided, single submitter. Criteria: ACMG Guidelines, 2015. Collection method: clinical testing. Allele origin: germline.
Comment: The POLR3C c.793G>C variant is predicted to result in the amino acid substitution p.Val265Leu. To our knowledge, this variant has not been reported in the literature or in a large population database, indicating this variant is rare. At this time, the clinical significance of this variant is uncertain due to the absence of conclusive functional and genetic evidence.

NM_006468.8(POLR3C):c.754G>C (p.Val252Leu)

Gene: POLR3C (RNA polymerase III subunit C; plus strand). Cytogenetic location: 1q21.1.
Variant type: single nucleotide variant.
Coding change: c.754G>C on transcript NM_006468.8 (MANE Select); coding-DNA position 754, G replaced by C.
Protein change: p.Val252Leu; replaces valine 252 with leucine.
Molecular consequence: missense variant.
Genome position (GRCh38, 1-based): chr1:145,833,335, G>C. VCF-style: chr1-145833335-G-C. GRCh37 (hg19) VCF-style: chr1-145601777-C-G.
Other names: c.793G>C, p.Val265Leu (NM_001303456.1); short protein forms V252L, V265L.
Identifiers: ClinVar variation 2635384 (VCV002635384.1), dbSNP rs2526183502, ClinGen allele CA342102593.
Genomic context (GRCh38, chr1:145,833,335, plus strand): 5'-GGGATTTATTGGCAGGCCAACCTTGACAGATTCCACCAACACTTCCGTGACCAAGCCATT[G>C]TGAGCGCAGTTGCTAACAGGATGGACCAGGTAATACCTAAGTGGGTCTGTCATTGGTCAT-3'
Protein context (NP_006459.3, residues 242-262): FHQHFRDQAI[Val252Leu]SAVANRMDQT